The following is an entry in ClinVar:

NM_003000.3(SDHB):c.757_760dup (p.Pro254fs)

Gene: SDHB (succinate dehydrogenase complex iron sulfur subunit B; minus strand). Cytogenetic location: 1p36.13.
Variant type: Duplication.
Coding change: c.757_760dup on transcript NM_003000.3 (MANE Select); coding-DNA positions 757 to 760, 4 bases duplicated (TGTC; older notation c.757_760dupTGTC).
Protein change: p.Pro254fs; shifts the reading frame from proline 254.
Molecular consequence: frameshift variant.
Genome position (GRCh38, 1-based): chr1:17,022,613-17,022,616, GACA duplicated on the plus strand (TGTC on the coding strand, the reverse complement: SDHB is on the minus strand); duplicating any 4 consecutive bases within chr1:17,022,613-17,022,617 gives the same sequence; the c. name uses the placement nearest the transcript's 3' end. VCF-style (leftmost placement, unchanged base first): chr1-17022612-G-GGACA. GRCh37 (hg19) VCF-style: chr1-17349107-G-GGACA.
Other names: c.703_706dup, p.Pro236fs (NM_001407361.1); c.757_760dupTGTC (NM_003000.2); short protein forms P236fs, P254fs.
Identifiers: ClinVar variation 3223021 (VCV003223021.1), dbSNP rs2525003715, ClinGen allele CA2825000867.

ClinVar aggregate classification (germline): Pathogenic (1 of 4 stars; one submission).

Conditions:
Hereditary cancer-predisposing syndrome. Also called: Tumor predisposition; Hereditary neoplastic syndrome; Hereditary Cancer Syndrome; Neoplastic Syndromes, Hereditary. Identifiers: Orphanet 140162, MedGen C0027672, MeSH D009386, MONDO:0015356.

Submission:

Ambry Genetics
Classification: Pathogenic for Hereditary cancer-predisposing syndrome. Last evaluated: 2023-11-14. Review status: criteria provided, single submitter. Criteria: Ambry Variant Classification Scheme 2023. Collection method: clinical testing. Allele origin: germline.
Comment: The c.757_760dupTGTC pathogenic mutation, located in coding exon 7 of the SDHB gene, results from a duplication of TGTC at nucleotide position 757, causing a translational frameshift with a predicted alternate stop codon (p.P254Lfs*3). This alteration occurs at the 3' terminus of theSDHB gene, is not expected to trigger nonsense-mediated mRNA decay, and only impacts the last 9.6% of the protein. However, premature stop codons are typically deleterious in nature and a significant portion of the protein is affected (Ambry internal data). Based on the supporting evidence, this alteration is interpreted as a disease-causing mutation.